The following is an entry in ClinVar:

ClinVar aggregate classification (germline): Pathogenic. Review status: criteria provided, multiple submitters, no conflicts (2 of 4 stars). 2 submissions from 2 submitters: Pathogenic (2). Last evaluated 2025-08-26.

Conditions:
Hereditary cancer-predisposing syndrome. Also called: Hereditary neoplastic syndrome; Hereditary Cancer Syndrome; Neoplastic Syndromes, Hereditary; Tumor predisposition. Identifiers: Orphanet 140162, MedGen C0027672, MeSH D009386, MONDO:0015356.
Ataxia-telangiectasia syndrome (AT). Also called: Cerebello-oculocutaneous telangiectasia; Immunodeficiency with ataxia telangiectasia; Ataxia telangiectasia (A-T); Ataxia-telangiectasia, complementation group E; LOUIS-BAR SYNDROME; Ataxia-telangiectasia, complementation group D. Identifiers: Orphanet 100, MedGen C0004135, MONDO:0008840, OMIM 208900.

Submissions (2):

Ambry Genetics
Classification: Pathogenic for Hereditary cancer-predisposing syndrome. Last evaluated: 2025-08-26. Review status: criteria provided, single submitter. Criteria: Ambry Variant Classification Scheme 2023. Collection method: clinical testing. Allele origin: germline.
Comment: The c.3664_3666delCTAinsAT pathogenic mutation, located in coding exon 24 of the ATM gene, results from the deletion of 3 nucleotides and insertion of two nucleotides causing a translational frameshift with a predicted alternate stop codon (p.L1222Ifs*18). This variant has been identified in conjunction with other ATM variant(s) in individual(s) with features consistent with ataxia telangiectasia (Micol R et al. J Allergy Clin Immunol, 2011 Aug;128:382-9.e1). This variant is considered to be rare based on population cohorts in the Genome Aggregation Database (gnomAD). This alteration is expected to result in loss of function by premature protein truncation or nonsense-mediated mRNA decay. As such, this alteration is interpreted as a disease-causing mutation.

Labcorp Genetics (formerly Invitae), Labcorp
Classification: Pathogenic for Ataxia-telangiectasia syndrome. Last evaluated: 2023-08-29. Review status: criteria provided, single submitter. Criteria: Invitae Variant Classification Sherloc (09022015). Collection method: clinical testing. Allele origin: germline.
Comment: For these reasons, this variant has been classified as Pathogenic. This premature translational stop signal has been observed in individual(s) with autosomal recessive ataxia-telangiectasia (PMID: 21665257). Information on the frequency of this variant in the gnomAD database is not available, as this variant may be reported differently in the database. This sequence change creates a premature translational stop signal (p.Leu1222Ilefs*18) in the ATM gene. It is expected to result in an absent or disrupted protein product. Loss-of-function variants in ATM are known to be pathogenic (PMID: 23807571, 25614872).

Literature cited by the submitters: PubMed 21665257 (cited by Ambry Genetics and Labcorp Genetics (formerly Invitae), Labcorp); PubMed 23807571 (cited by Labcorp Genetics (formerly Invitae), Labcorp); PubMed 25614872 (cited by Labcorp Genetics (formerly Invitae), Labcorp).

NM_000051.4(ATM):c.3664_3666delinsAT (p.Leu1222fs)

Gene: ATM (ATM serine/threonine kinase; plus strand). Cytogenetic location: 11q22.3.
Variant type: Indel.
Coding change: c.3664_3666delinsAT on transcript NM_000051.4 (MANE Select); coding-DNA positions 3664 to 3666, CTA replaced by AT.
Protein change: p.Leu1222fs; shifts the reading frame from leucine 1222.
Molecular consequence: frameshift variant.
Genome position (GRCh38, 1-based): chr11:108,282,797-108,282,799, CTA replaced by AT. VCF-style: chr11-108282797-CTA-AT. GRCh37 (hg19) VCF-style: chr11-108153524-CTA-AT.
Other names: c.3664_3666delinsAT, p.Leu1222fs (NM_001351834.2); short protein forms L1222fs.
Identifiers: ClinVar variation 2735744 (VCV002735744.4), dbSNP rs2546879732, ClinGen allele CA2695215268.